The following is an entry in ClinVar:

NM_030632.3(ASXL3):c.4360C>T (p.Gln1454Ter)

Gene: ASXL3 (ASXL transcriptional regulator 3; plus strand). Cytogenetic location: 18q12.1.
Variant type: single nucleotide variant.
Coding change: c.4360C>T on transcript NM_030632.3 (MANE Select); coding-DNA position 4360, C replaced by T.
Protein change: p.Gln1454Ter; replaces glutamine 1454 with a stop codon.
Molecular consequence: nonsense.
Genome position (GRCh38, 1-based): chr18:33,744,208, C>T. VCF-style: chr18-33744208-C-T. GRCh37 (hg19) VCF-style: chr18-31324172-C-T.
Other names: short protein forms Q1454*.
Identifiers: ClinVar variation 424448 (VCV000424448.4), dbSNP rs1064796972, ClinGen allele CA16620687.
Genomic context (GRCh38, chr18:33,744,208, plus strand): 5'-GCTGAAAGCTTGGACAAAAATTCAGGGCCTCGAAACAGGGCAGATAATTCTGGAAAACCT[C>T]AGCAACCACCAGGGGGCTTTGCACCAGCAGCCATAAACCGATCAATTCCGTGTAAAGTCA-3'

ClinVar aggregate classification (germline): Pathogenic (1 of 4 stars; one submission).

Conditions:
Syndromic intellectual disability. Also called: Intellectual disability syndrome. Identifiers: Orphanet 183763, MedGen C5680525, MONDO:0000508.

Submission:

GeneDx
Classification: Pathogenic. Last evaluated: 2019-06-16. Review status: criteria provided, single submitter. Criteria: GeneDx Variant Classification Process June 2021. Collection method: clinical testing. Allele origin: germline. Affected: yes.
Comment: Nonsense variant in the C-terminus predicted to result in protein truncation, as the last 795 amino acids are lost, and other loss-of-function variants have been reported downstream in the Human Gene Mutation Database (Stenson et al., 2014); Not observed in large population cohorts (Lek et al., 2016); Has not been previously published as pathogenic or benign to our knowledge